The following is an entry in ClinVar:

ClinVar aggregate classification (germline): Uncertain significance (1 of 4 stars; one submission).

Conditions:
Intellectual developmental disorder, autosomal dominant 1. Also called: Intellectual disability, autosomal dominant 1; MBD5 Haploinsufficiency. Identifiers: Orphanet 228402, MedGen C1969562, MONDO:0007974, OMIM 156200.

Submission:

Labcorp Genetics (formerly Invitae), Labcorp
Classification: Uncertain significance for Intellectual developmental disorder, autosomal dominant 1. Last evaluated: 2017-12-18. Review status: criteria provided, single submitter. Criteria: Invitae Variant Classification Sherloc (09022015). Collection method: clinical testing. Allele origin: germline.
Comment: This variant has not been reported in the literature in individuals with MBD5-related disease. This variant is not present in population databases (ExAC no frequency). This sequence change replaces serine with cysteine at codon 545 of the MBD5 protein (p.Ser545Cys). The serine residue is highly conserved and there is a moderate physicochemical difference between serine and cysteine. Algorithms developed to predict the effect of missense changes on protein structure and function do not agree on the potential impact of this missense change (SIFT: "Deleterious"; PolyPhen-2: "Possibly Damaging"; Align-GVGD: "Class C15"). In summary, the available evidence is currently insufficient to determine the role of this variant in disease. Therefore, it has been classified as a Variant of Uncertain Significance.

NM_001378120.1(MBD5):c.1634C>G (p.Ser545Cys)

Gene: MBD5 (methyl-CpG binding domain protein 5; plus strand). Cytogenetic location: 2q23.1.
Variant type: single nucleotide variant.
Coding change: c.1634C>G on transcript NM_001378120.1 (MANE Select); coding-DNA position 1634, C replaced by G.
Protein change: p.Ser545Cys; replaces serine 545 with cysteine.
Molecular consequence: missense variant.
Genome position (GRCh38, 1-based): chr2:148,469,577, C>G. VCF-style: chr2-148469577-C-G. GRCh37 (hg19) VCF-style: chr2-149227146-C-G.
Other names: c.1634C>G, p.Ser545Cys (NM_018328.5); short protein forms S545C.
Identifiers: ClinVar variation 536671 (VCV000536671.9), dbSNP rs1553518618, ClinGen allele CA348720102.